The following is an entry in ClinVar:

ClinVar aggregate classification (germline): Pathogenic/Likely pathogenic. Review status: criteria provided, multiple submitters, no conflicts (2 of 4 stars). 4 submissions from 4 submitters: Pathogenic (3); Likely pathogenic (1). Last evaluated 2022-09-26.

Conditions:
Wolfram syndrome 1 (WFS1). Identifiers: Orphanet 3463, MedGen C4551693, MONDO:0009101, OMIM 222300.
WFS1-related disorder. Identifiers: MedGen CN379391, MONDO:0700293.
Optic atrophy. Identifiers: MedGen C0029124, MONDO:0003608, HP:0000648.

Submissions (4):

Blueprint Genetics
Classification: Likely pathogenic for WFS1-related disorders. Last evaluated: 2022-09-26. Review status: criteria provided, single submitter. Criteria: ACMG Guidelines, 2015. Collection method: clinical testing. Allele origin: germline. Affected: yes. Observed: 1 variant allele.

Institute of Human Genetics, Univ. Regensburg, Univ. Regensburg
Classification: Pathogenic for Optic atrophy. Last evaluated: 2021-01-01. Review status: criteria provided, single submitter. Criteria: ACMG Guidelines, 2015. Collection method: clinical testing. Allele origin: germline. Affected: yes.

Molecular Diagnostics Laboratory, M Health Fairview: University of Minnesota
Classification: Pathogenic for Wolfram syndrome 1. Last evaluated: 2018-04-09. Review status: criteria provided, single submitter. Criteria: ACMG Guidelines, 2015. Collection method: clinical testing. Allele origin: germline. Affected: yes. Observed: 1 variant allele.

Clinical Genomics, Uppaluri K&H Personalized Medicine Clinic
Classification: Pathogenic for Wolfram syndrome 1. Review status: criteria provided, single submitter. Criteria: K & H Uppaluri Personalized Medicine Clinic Variant Classification & Assertion Criteria_Updated V.1. Collection method: research. Allele origin: unknown. Inheritance: Autosomal recessive inheritance.
Comment: Potent mutations in WFS1 gene are associated with Wolfram's syndrome, an autosomal recessive condition, which cause diabetes mellitus, diabetes insipidus, deafness and optic atrophy.However no sufficient evidence is found to ascertain the role of this particular variant rs1560408865 in Wolfram's syndrome yet.

Literature cited by the submitters: PubMed 23981289 (cited by Institute of Human Genetics, Univ. Regensburg, Univ. Regensburg and Molecular Diagnostics Laboratory, M Health Fairview: University of Minnesota); PubMed 20738327 (cited by Clinical Genomics, Uppaluri K&H Personalized Medicine Clinic); PubMed 33879153 (cited by Clinical Genomics, Uppaluri K&H Personalized Medicine Clinic); PubMed 12955714 (cited by Clinical Genomics, Uppaluri K&H Personalized Medicine Clinic); PubMed 18060660 (cited by Clinical Genomics, Uppaluri K&H Personalized Medicine Clinic); PubMed 20301750 (cited by Clinical Genomics, Uppaluri K&H Personalized Medicine Clinic); PubMed 17603484 (cited by Clinical Genomics, Uppaluri K&H Personalized Medicine Clinic).

NM_006005.3(WFS1):c.439del (p.Arg147fs)

Gene: WFS1 (wolframin ER transmembrane glycoprotein; plus strand). Cytogenetic location: 4p16.1.
Variant type: Deletion.
Coding change: c.439del on transcript NM_006005.3 (MANE Select); coding-DNA position 439, one base deleted (C; older notation c.439delC).
Protein change: p.Arg147fs; shifts the reading frame from arginine 147.
Molecular consequence: frameshift variant.
Genome position (GRCh38, 1-based): chr4:6,289,110, C deleted; the last of 2 consecutive C bases (chr4:6,289,109-6,289,110); deleting either gives the same sequence. VCF-style (leftmost placement, unchanged base first): chr4-6289108-GC-G. GRCh37 (hg19) VCF-style: chr4-6290835-GC-G.
Other names: c.439delC (NM_006005.3); c.439del, p.Arg147fs (NM_001145853.1); short protein forms R147fs.
Identifiers: ClinVar variation 620589 (VCV000620589.4), dbSNP rs1560408865, ClinGen allele CA913189921.